The following is an entry in ClinVar:

ClinVar aggregate classification (germline): Uncertain significance (1 of 4 stars; one submission).

Conditions:
Intellectual developmental disorder with autism and macrocephaly. Also called: Autism, susceptibility to, 18; CHD8-Related Neurodevelopmental Disorder with Overgrowth. Identifiers: Orphanet 642675, MedGen C3554373, MONDO:0014017, OMIM 615032.

Submission:

3billion
Classification: Uncertain significance for Intellectual developmental disorder with autism and macrocephaly. Last evaluated: 2025-11-14. Review status: criteria provided, single submitter. Criteria: ACMG Guidelines, 2015. Collection method: clinical testing. Allele origin: germline. Affected: yes.
Comment: The variant is not observed in the gnomAD v4.1.0 dataset. Predicted Consequence/Location: Missense variant In silico tool predictions suggest damaging effect of the variant on gene or gene product [REVEL: 0.94 (>=0.6, sensitivity 0.68 and specificity 0.92); 3Cnet: 0.71 (> 0.75, sensitivity 0.96 and precision 0.92)]. Therefore, this variant is classified as VUS according to the recommendation of ACMG/AMP guideline.

NM_001170629.2(CHD8):c.2860A>C (p.Lys954Gln)

Gene: CHD8 (chromodomain helicase DNA binding protein 8; minus strand). Cytogenetic location: 14q11.2.
Variant type: single nucleotide variant.
Coding change: c.2860A>C on transcript NM_001170629.2 (MANE Select); coding-DNA position 2860, A replaced by C.
Protein change: p.Lys954Gln; replaces lysine 954 with glutamine.
Molecular consequence: missense variant.
Genome position (GRCh38, 1-based): chr14:21,406,903, T>G on the plus strand (A>C on the coding strand, the complement: CHD8 is on the minus strand). VCF-style: chr14-21406903-T-G. GRCh37 (hg19) VCF-style: chr14-21875062-T-G.
Other names: c.2023A>C, p.Lys675Gln (NM_020920.4); short protein forms K675Q, K954Q.
Identifiers: ClinVar variation 4854862 (VCV004854862.1).